The following is an entry in ClinVar:

ClinVar aggregate classification (germline): Uncertain significance (1 of 4 stars; one submission).

Conditions:
Immunodeficiency 23 (IMD23). Also called: IMMUNODEFICIENCY WITH HYPER IgE AND COGNITIVE IMPAIRMENT; IMMUNODEFICIENCY-VASCULITIS-MYOCLONUS SYNDROME. Identifiers: Orphanet 443811, MedGen C4014371, MONDO:0014353, OMIM 615816.

Submission:

Labcorp Genetics (formerly Invitae), Labcorp
Classification: Uncertain significance for Immunodeficiency 23. Last evaluated: 2022-06-01. Review status: criteria provided, single submitter. Criteria: Invitae Variant Classification Sherloc (09022015). Collection method: clinical testing. Allele origin: germline.
Comment: Algorithms developed to predict the effect of missense changes on protein structure and function (SIFT, PolyPhen-2, Align-GVGD) all suggest that this variant is likely to be disruptive. This variant has not been reported in the literature in individuals affected with PGM3-related conditions. This variant is not present in population databases (gnomAD no frequency). This sequence change replaces histidine, which is basic and polar, with arginine, which is basic and polar, at codon 402 of the PGM3 protein (p.His402Arg). In summary, the available evidence is currently insufficient to determine the role of this variant in disease. Therefore, it has been classified as a Variant of Uncertain Significance.

NM_015599.3(PGM3):c.1121A>G (p.His374Arg)

Gene: PGM3 (phosphoglucomutase 3; minus strand). Cytogenetic location: 6q14.1.
Variant type: single nucleotide variant.
Coding change: c.1121A>G on transcript NM_015599.3 (MANE Select); coding-DNA position 1121, A replaced by G.
Protein change: p.His374Arg; replaces histidine 374 with arginine.
Molecular consequence: missense variant. On other transcripts: non-coding transcript variant (1).
Genome position (GRCh38, 1-based): chr6:83,175,969, T>C on the plus strand (A>G on the coding strand, the complement: PGM3 is on the minus strand). VCF-style: chr6-83175969-T-C. GRCh37 (hg19) VCF-style: chr6-83885688-T-C.
Other names: c.1205A>G, p.His402Arg (NM_001199917.2, NM_001367287.1); c.878A>G, p.His293Arg (NM_001199918.2); c.1121A>G, p.His374Arg (NM_001199919.2, NM_001367286.1); short protein forms H293R, H374R, H402R.
Identifiers: ClinVar variation 2001804 (VCV002001804.4), dbSNP rs2538080984, ClinGen allele CA364880425.
Genomic context (GRCh38, chr6:83,175,969, plus strand): 5'-CTCATCATAAAGAAAAGTGCCAGCTAAGGCCAACTATAATTAAGAGAACTTACAGTGCCA[T>C]GCCCATTTGCTTCAAAATAAACTCCAATGTCAAACTCTTGAGCCTTGTGGTGCAAATGTT-3'
Protein context (NP_056414.1, residues 364-384): DIGVYFEANG[His374Arg]GTALFSTAVE